The following is an entry in ClinVar:

NM_152617.4(RNF168):c.1429C>T (p.Arg477Cys)

Gene: RNF168 (ring finger protein 168; minus strand). Cytogenetic location: 3q29.
Variant type: single nucleotide variant.
Coding change: c.1429C>T on transcript NM_152617.4 (MANE Select); coding-DNA position 1429, C replaced by T.
Protein change: p.Arg477Cys; replaces arginine 477 with cysteine.
Molecular consequence: missense variant.
Genome position (GRCh38, 1-based): chr3:196,472,106, G>A on the plus strand (C>T on the coding strand, the complement: RNF168 is on the minus strand). VCF-style: chr3-196472106-G-A. GRCh37 (hg19) VCF-style: chr3-196198977-G-A.
Other names: short protein forms R477C.
Identifiers: ClinVar variation 1478970 (VCV001478970.6), dbSNP rs751363298, ClinGen allele CA2780654.

ClinVar aggregate classification (germline): Uncertain significance (1 of 4 stars; one submission).

Allele frequency attached by ClinVar (database versions not stated): 1000 Genomes Project 30x 0.00062.

Submission:

Labcorp Genetics (formerly Invitae), Labcorp
Classification: Uncertain significance. Last evaluated: 2021-04-03. Review status: criteria provided, single submitter. Criteria: Invitae Variant Classification Sherloc (09022015). Collection method: clinical testing. Allele origin: germline.
Comment: In summary, the available evidence is currently insufficient to determine the role of this variant in disease. Therefore, it has been classified as a Variant of Uncertain Significance. Algorithms developed to predict the effect of missense changes on protein structure and function are either unavailable or do not agree on the potential impact of this missense change (SIFT: "Deleterious"; PolyPhen-2: "Possibly Damaging"; Align-GVGD: "Class C0"). This variant has not been reported in the literature in individuals with RNF168-related conditions. This variant is present in population databases (rs751363298, ExAC 0.01%). This sequence change replaces arginine with cysteine at codon 477 of the RNF168 protein (p.Arg477Cys). The arginine residue is highly conserved and there is a large physicochemical difference between arginine and cysteine.